The following is an entry in ClinVar:

ClinVar aggregate classification (germline): Benign. Review status: criteria provided, multiple submitters, no conflicts (2 of 4 stars). 2 submissions from 2 submitters: Benign (2). Last evaluated 2018-06-16.

Allele frequency attached by ClinVar (database versions not stated): 1000 Genomes Project 0.52456; gnomAD 0.48028 and 0.47880; 1000 Genomes Project 30x 0.52655; TOPMed 0.48388.
gnomAD v4.1: 650,500 of 1,554,190 alleles (42%); highest among the groups gnomAD compares: African/African-American, 68%; 140,987 homozygotes.

Submissions (4):

GeneDx
Classification: Benign. Last evaluated: 2018-06-16. Review status: criteria provided, single submitter. Criteria: GeneDx Variant Classification (06012015). Collection method: clinical testing. Allele origin: germline. Affected: yes.
Comment: This variant is considered likely benign or benign based on one or more of the following criteria: it is a conservative change, it occurs at a poorly conserved position in the protein, it is predicted to be benign by multiple in silico algorithms, and/or has population frequency not consistent with disease.

Breakthrough Genomics
Classification: Benign. Review status: criteria provided, single submitter. Criteria: ACMG Guidelines, 2015. Collection method: not provided. Allele origin: germline. Inheritance: Autosomal recessive inheritance. Affected: yes.

Dr. Peter K. Rogan Lab, Western University
No classification provided (evidence only). Condition: Malignant lymphoma, large B-cell, diffuse. Review status: no classification provided. Collection method: in vitro. Allele origin: not applicable. Functional consequence: retained intron. Not counted in ClinVar's aggregate classification.

Dr. Peter K. Rogan Lab, Western University
No classification provided (evidence only). Condition: Hepatocellular carcinoma. Review status: no classification provided. Collection method: in vitro. Allele origin: not applicable. Functional consequence: retained intron. Not counted in ClinVar's aggregate classification.

NM_002474.3(MYH11):c.3293+94C>T

Gene: MYH11 (myosin heavy chain 11; minus strand). Cytogenetic location: 16p13.11.
Variant type: single nucleotide variant.
Coding change: c.3293+94C>T on transcript NM_002474.3 (MANE Select); 94 bases into the intron after coding-DNA position 3293, C replaced by T.
Molecular consequence: intron variant.
Genome position (GRCh38, 1-based): chr16:15,737,355, G>A on the plus strand (C>T on the coding strand, the complement: MYH11 is on the minus strand). VCF-style: chr16-15737355-G-A. GRCh37 (hg19) VCF-style: chr16-15831212-G-A.
Other names: NC_000016.9:g.15831212G>A; c.3293+94C>T (NM_022844.3); c.3314+94C>T (NM_001040114.2, NM_001040113.2).
Identifiers: ClinVar variation 672357 (VCV000672357.3), dbSNP rs2272555, ClinGen allele CA14214139.